The following is an entry in ClinVar:

ClinVar aggregate classification (germline): Uncertain significance (1 of 4 stars; one submission).

Conditions:
Nemaline myopathy 2 (NEM2). Also called: Nemaline myopathy 2, autosomal recessive. Identifiers: MedGen C1850569, MONDO:0009725, OMIM 256030.

Submission:

Labcorp Genetics (formerly Invitae), Labcorp
Classification: Uncertain significance for Nemaline myopathy 2. Last evaluated: 2022-03-29. Review status: criteria provided, single submitter. Criteria: Invitae Variant Classification Sherloc (09022015). Collection method: clinical testing. Allele origin: germline.
Comment: This sequence change replaces valine, which is neutral and non-polar, with leucine, which is neutral and non-polar, at codon 167 of the NEB protein (p.Val167Leu). This variant is not present in population databases (gnomAD no frequency). This variant has not been reported in the literature in individuals affected with NEB-related conditions. Algorithms developed to predict the effect of missense changes on protein structure and function are either unavailable or do not agree on the potential impact of this missense change (SIFT: "Tolerated"; PolyPhen-2: "Not Available"; Align-GVGD: "Class C0"). In summary, the available evidence is currently insufficient to determine the role of this variant in disease. Therefore, it has been classified as a Variant of Uncertain Significance.

NM_001164508.2(NEB):c.499G>C (p.Val167Leu)

Gene: NEB (nebulin; minus strand). Cytogenetic location: 2q23.3.
Variant type: single nucleotide variant.
Coding change: c.499G>C on transcript NM_001164508.2 (MANE Select); coding-DNA position 499, G replaced by C.
Protein change: p.Val167Leu; replaces valine 167 with leucine.
Molecular consequence: missense variant.
Genome position (GRCh38, 1-based): chr2:151,724,865, C>G on the plus strand (G>C on the coding strand, the complement: NEB is on the minus strand). VCF-style: chr2-151724865-C-G. GRCh37 (hg19) VCF-style: chr2-152581379-C-G.
Other names: c.499G>C, p.Val167Leu (NM_001164507.2, NM_001271208.2, NM_004543.5); short protein forms V167L.
Identifiers: ClinVar variation 2106365 (VCV002106365.4), dbSNP rs1351648399, ClinGen allele CA348792584.